The following is an entry in ClinVar:

NM_001967.4(EIF4A2):c.349-8G>A

Gene: EIF4A2 (eukaryotic translation initiation factor 4A2; plus strand). Cytogenetic location: 3q27.3.
Variant type: single nucleotide variant.
Coding change: c.349-8G>A on transcript NM_001967.4 (MANE Select); 8 bases into the intron before coding-DNA position 349, G replaced by A.
Molecular consequence: intron variant.
Genome position (GRCh38, 1-based): chr3:186,785,875, G>A. VCF-style: chr3-186785875-G-A. GRCh37 (hg19) VCF-style: chr3-186503664-G-A.
Identifiers: ClinVar variation 3368557 (VCV003368557.1).

ClinVar aggregate classification (germline): Uncertain significance (1 of 4 stars; one submission).

Submission:

GeneDx
Classification: Uncertain significance. Last evaluated: 2024-02-01. Review status: criteria provided, single submitter. Criteria: GeneDx Variant Classification Process June 2021. Collection method: clinical testing. Allele origin: germline. Affected: yes.
Comment: Not observed at significant frequency in large population cohorts (gnomAD); Has not been previously published as pathogenic or benign to our knowledge; In silico analysis suggests this variant may impact gene splicing. In the absence of RNA/functional studies, the actual effect of this sequence change is unknown.